The following is an entry in ClinVar:

NM_003482.4(KMT2D):c.2199A>T (p.Gln733His)

Gene: KMT2D (lysine methyltransferase 2D; minus strand). Cytogenetic location: 12q13.12.
Variant type: single nucleotide variant.
Coding change: c.2199A>T on transcript NM_003482.4 (MANE Select); coding-DNA position 2199, A replaced by T.
Protein change: p.Gln733His; replaces glutamine 733 with histidine.
Molecular consequence: missense variant.
Genome position (GRCh38, 1-based): chr12:49,051,484, T>A on the plus strand (A>T on the coding strand, the complement: KMT2D is on the minus strand). VCF-style: chr12-49051484-T-A. GRCh37 (hg19) VCF-style: chr12-49445267-T-A.
Other names: short protein forms Q733H.
Identifiers: ClinVar variation 3696458 (VCV003696458.2).

ClinVar aggregate classification (germline): Uncertain significance (1 of 4 stars; one submission).

Conditions:
Kabuki syndrome. Also called: NIIKAWA-KUROKI SYNDROME; Kabuki make-up syndrome. Identifiers: Orphanet 2322, MedGen C0796004, MONDO:0016512.

Submission:

Labcorp Genetics (formerly Invitae), Labcorp
Classification: Uncertain significance for Kabuki syndrome. Last evaluated: 2024-07-16. Review status: criteria provided, single submitter. Criteria: Invitae Variant Classification Sherloc (09022015). Collection method: clinical testing. Allele origin: germline.
Comment: This sequence change replaces glutamine, which is neutral and polar, with histidine, which is basic and polar, at codon 733 of the KMT2D protein (p.Gln733His). This variant is not present in population databases (gnomAD no frequency). This variant has not been reported in the literature in individuals affected with KMT2D-related conditions. Advanced modeling of protein sequence and biophysical properties (such as structural, functional, and spatial information, amino acid conservation, physicochemical variation, residue mobility, and thermodynamic stability) performed at Invitae indicates that this missense variant is not expected to disrupt KMT2D protein function with a negative predictive value of 95%. In summary, the available evidence is currently insufficient to determine the role of this variant in disease. Therefore, it has been classified as a Variant of Uncertain Significance.